The following is an entry in ClinVar:

NM_002691.4(POLD1):c.253C>T (p.Pro85Ser)

Gene: POLD1 (DNA polymerase delta 1, catalytic subunit; plus strand). Cytogenetic location: 19q13.33.
Variant type: single nucleotide variant.
Coding change: c.253C>T on transcript NM_002691.4 (MANE Select); coding-DNA position 253, C replaced by T.
Protein change: p.Pro85Ser; replaces proline 85 with serine.
Molecular consequence: missense variant. On other transcripts: non-coding transcript variant (1).
Genome position (GRCh38, 1-based): chr19:50,399,421, C>T. VCF-style: chr19-50399421-C-T. GRCh37 (hg19) VCF-style: chr19-50902678-C-T.
Other names: c.253C>T, p.Pro85Ser (NM_001256849.1, NM_001308632.1); short protein forms P85S.
Identifiers: ClinVar variation 2045218 (VCV002045218.4), dbSNP rs2513937135, ClinGen allele CA406970478.

ClinVar aggregate classification (germline): Uncertain significance (1 of 4 stars; one submission).

Conditions:
POLD1-related polyposis and colorectal cancer syndrome (CRCS10). Also called: Colorectal cancer 10; COLORECTAL CANCER, SUSCEPTIBILITY TO, ON CHROMOSOME 19q; Colorectal cancer, susceptibility to, 10. Identifiers: Orphanet 220460, MedGen C2675481, MONDO:0012953, OMIM 612591.

Submission:

Labcorp Genetics (formerly Invitae), Labcorp
Classification: Uncertain significance for POLD1-related polyposis and colorectal cancer syndrome. Last evaluated: 2021-12-17. Review status: criteria provided, single submitter. Criteria: Invitae Variant Classification Sherloc (09022015). Collection method: clinical testing. Allele origin: germline.
Comment: In summary, the available evidence is currently insufficient to determine the role of this variant in disease. Therefore, it has been classified as a Variant of Uncertain Significance. Algorithms developed to predict the effect of missense changes on protein structure and function (SIFT, PolyPhen-2, Align-GVGD) all suggest that this variant is likely to be tolerated. This variant has not been reported in the literature in individuals affected with POLD1-related conditions. This variant is not present in population databases (gnomAD no frequency). This sequence change replaces proline, which is neutral and non-polar, with serine, which is neutral and polar, at codon 85 of the POLD1 protein (p.Pro85Ser).